The following is an entry in ClinVar:

NM_015425.6(POLR1A):c.408C>T (p.Tyr136=)

Gene: POLR1A (RNA polymerase I subunit A; minus strand). Cytogenetic location: 2p11.2.
Variant type: single nucleotide variant.
Coding change: c.408C>T on transcript NM_015425.6 (MANE Select); coding-DNA position 408, C replaced by T.
Protein change: p.Tyr136=; no amino-acid change (tyrosine 136 retained).
Molecular consequence: synonymous variant.
Genome position (GRCh38, 1-based): chr2:86,098,635, G>A on the plus strand (C>T on the coding strand, the complement: POLR1A is on the minus strand). VCF-style: chr2-86098635-G-A. GRCh37 (hg19) VCF-style: chr2-86325758-G-A.
Other names: c.408C>T (NM_015425.4).
Identifiers: ClinVar variation 2174215 (VCV002174215.7), dbSNP rs370848899, ClinGen allele CA1746674.
Genomic context (GRCh38, chr2:86,098,635, plus strand): 5'-CTTTTCTGATTTCTGTGACCACCACTACCCACCTACCCTGTTCAGAATTCTCTCAAGCTC[G>A]TAGACTGCTTGTAGGGCCCCGACTTCCAGAACCCTCAGCTGGCAGAGTAAGAGGTGAATC-3'
Protein context (NP_056240.2, residues 126-146): VLEVGALQAV[Tyr136=]ELERILNRFL

ClinVar aggregate classification (germline): Likely benign. Review status: criteria provided, multiple submitters, no conflicts (2 of 4 stars). 3 submissions from 3 submitters: Likely benign (2). 1 of the submissions does not count toward it. Last evaluated 2024-06-14.

Conditions:
POLR1A-related disorder. Also called: POLR1A-related condition.

Allele frequency attached by ClinVar (database versions not stated): gnomAD exomes 0.00002; ExAC 0.00005; gnomAD 0.00005; ESP Exome Variant Server 0.00008; TOPMed 0.00008.
gnomAD v4.1: 44 of 1,613,350 alleles (0.0027%); highest among the groups gnomAD compares: African/African-American, 0.013%; no homozygotes.

Submissions (3):

Labcorp Genetics (formerly Invitae), Labcorp
Classification: Likely benign. Last evaluated: 2024-06-14. Review status: criteria provided, single submitter. Criteria: Invitae Variant Classification Sherloc (09022015). Collection method: clinical testing. Allele origin: germline.

Blueprint Genetics
Classification: Likely benign. Last evaluated: 2024-03-07. Review status: criteria provided, single submitter. Criteria: ACMG Guidelines, 2015. Collection method: clinical testing. Allele origin: germline.

PreventionGenetics, part of Exact Sciences
Classification: Likely benign for POLR1A-related condition. Last evaluated: 2020-04-20. Review status: no assertion criteria provided. Collection method: clinical testing. Allele origin: germline. Not counted in ClinVar's aggregate classification.
Comment: This variant is classified as likely benign based on ACMG/AMP sequence variant interpretation guidelines (Richards et al. 2015 PMID: 25741868, with internal and published modifications).